The following is an entry in ClinVar:

ClinVar aggregate classification (germline): Pathogenic (1 of 4 stars; one submission).

Conditions:
3-methylcrotonyl-CoA carboxylase 1 deficiency (MCC1D). Also called: MCC 1 deficiency; 3 Alpha methylcrotonylglycinuria 1; MCCD TYPE 1; METHYLCROTONYLGLYCINURIA TYPE I. Identifiers: Orphanet 6, MedGen CN028786, MONDO:0008861, OMIM 210200.

Submission:

Labcorp Genetics (formerly Invitae), Labcorp
Classification: Pathogenic for 3-methylcrotonyl-CoA carboxylase 1 deficiency. Last evaluated: 2022-11-21. Review status: criteria provided, single submitter. Criteria: Invitae Variant Classification Sherloc (09022015). Collection method: clinical testing. Allele origin: germline.
Comment: For these reasons, this variant has been classified as Pathogenic. ClinVar contains an entry for this variant (Variation ID: 476402). This variant has not been reported in the literature in individuals affected with MCCC1-related conditions. This variant is not present in population databases (gnomAD no frequency). This sequence change creates a premature translational stop signal (p.His329Glnfs*19) in the MCCC1 gene. It is expected to result in an absent or disrupted protein product. Loss-of-function variants in MCCC1 are known to be pathogenic (PMID: 11181649, 15359379, 22642865).

Literature cited by the submitters: PubMed 11181649; PubMed 15359379; PubMed 22642865.

NM_020166.5(MCCC1):c.987_988del (p.His329fs)

Gene: MCCC1 (methylcrotonyl-CoA carboxylase subunit 1; minus strand). Cytogenetic location: 3q27.1.
Variant type: Deletion.
Coding change: c.987_988del on transcript NM_020166.5 (MANE Select); coding-DNA positions 987 to 988, 2 bases deleted (TA; older notation c.987_988delTA).
Protein change: p.His329fs; shifts the reading frame from histidine 329.
Molecular consequence: frameshift variant. On other transcripts: non-coding transcript variant (2).
Genome position (GRCh38, 1-based): chr3:183,045,508-183,045,509, TA deleted on the plus strand (TA on the coding strand, the reverse complement: MCCC1 is on the minus strand); deleting any 2 consecutive bases within chr3:183,045,508-183,045,510 gives the same sequence; the c. name uses the placement nearest the transcript's 3' end. VCF-style (leftmost placement, unchanged base first): chr3-183045507-TTA-T. GRCh37 (hg19) VCF-style: chr3-182763295-TTA-T.
Other names: c.636_637del, p.His212fs (NM_001293273.2); c.660_661del, p.His220fs (NM_001363880.1); short protein forms H212fs, H220fs, H329fs.
Identifiers: ClinVar variation 476402 (VCV000476402.8), dbSNP rs1553856095, ClinGen allele CA658657353.